The following is an entry in ClinVar:

NM_004369.4(COL6A3):c.6053C>A (p.Ala2018Glu)

Gene: COL6A3 (collagen type VI alpha 3 chain; minus strand). Cytogenetic location: 2q37.3.
Variant type: single nucleotide variant.
Coding change: c.6053C>A on transcript NM_004369.4 (MANE Select); coding-DNA position 6053, C replaced by A.
Protein change: p.Ala2018Glu; replaces alanine 2018 with glutamic acid.
Molecular consequence: missense variant.
Genome position (GRCh38, 1-based): chr2:237,363,263, G>T on the plus strand (C>A on the coding strand, the complement: COL6A3 is on the minus strand). VCF-style: chr2-237363263-G-T. GRCh37 (hg19) VCF-style: chr2-238271906-G-T.
Other names: c.4232C>A, p.Ala1411Glu (NM_057166.5); c.5435C>A, p.Ala1812Glu (NM_057167.4); short protein forms A1411E, A1812E, A2018E.
Identifiers: ClinVar variation 2440422 (VCV002440422.5), dbSNP rs200239695, ClinGen allele CA351218682.

ClinVar aggregate classification (germline): Uncertain significance. Review status: criteria provided, multiple submitters, no conflicts (2 of 4 stars). 3 submissions from 3 submitters: Uncertain significance (3). Last evaluated 2025-08-29.

Conditions:
Bethlem myopathy 1A. Also called: MYOPATHY, BENIGN CONGENITAL, WITH CONTRACTURES; Bethlem myopathy 1; Bethlem Muscular Dystrophy. Identifiers: Orphanet 610, MedGen CN029274, MONDO:0024530, OMIM 158810.
Inborn genetic diseases. Identifiers: MedGen C0950123, MeSH D030342.

Submissions (3):

Labcorp Genetics (formerly Invitae), Labcorp
Classification: Uncertain significance for Bethlem myopathy 1A. Last evaluated: 2025-08-29. Review status: criteria provided, single submitter. Criteria: Invitae Variant Classification Sherloc (09022015). Collection method: clinical testing. Allele origin: germline.
Comment: This sequence change replaces alanine, which is neutral and non-polar, with glutamic acid, which is acidic and polar, at codon 2018 of the COL6A3 protein (p.Ala2018Glu). This variant is not present in population databases (gnomAD no frequency). This variant has not been reported in the literature in individuals affected with COL6A3-related conditions. ClinVar contains an entry for this variant (Variation ID: 2440422). Invitae Evidence Modeling of protein sequence and biophysical properties (such as structural, functional, and spatial information, amino acid conservation, physicochemical variation, residue mobility, and thermodynamic stability) indicates that this missense variant is expected to disrupt COL6A3 protein function with a positive predictive value of 80%. In summary, the available evidence is currently insufficient to determine the role of this variant in disease. Therefore, it has been classified as a Variant of Uncertain Significance.

Ambry Genetics
Classification: Uncertain significance for Inborn genetic diseases. Last evaluated: 2025-08-05. Review status: criteria provided, single submitter. Criteria: Ambry Variant Classification Scheme 2023. Collection method: clinical testing. Allele origin: germline.

Revvity Omics, Revvity
Classification: Uncertain significance. Last evaluated: 2022-12-21. Review status: criteria provided, single submitter. Criteria: ACMG Guidelines, 2015. Collection method: clinical testing. Allele origin: germline.